The following is an entry in ClinVar:

ClinVar aggregate classification (germline): Uncertain significance. Review status: criteria provided, multiple submitters, no conflicts (2 of 4 stars). 3 submissions from 3 submitters: Uncertain significance (3). Last evaluated 2025-12-06.

Conditions:
Epidermolysis bullosa simplex 5B, with muscular dystrophy (EBS5B). Also called: Epidermolysis bullosa simplex with muscular dystrophy; EPIDERMOLYSIS BULLOSA SIMPLEX AND LIMB-GIRDLE MUSCULAR DYSTROPHY. Identifiers: Orphanet 257, MedGen C2931072, MONDO:0009181, OMIM 226670.
Epidermolysis bullosa simplex, Ogna type (EBS5A). Also called: Pidermolysis bullosa simplex 5A, Ogna type; EPIDERMOLYSIS BULLOSA SIMPLEX 5A, OGNA TYPE. Identifiers: Orphanet 79401, MedGen C0432317, MONDO:0007555, OMIM 131950.
Epidermolysis bullosa simplex with nail dystrophy (EBS5D). Identifiers: MedGen C4225309, MONDO:0014661, OMIM 616487.
Autosomal recessive limb-girdle muscular dystrophy type 2Q (LGMDR17). Also called: MUSCULAR DYSTROPHY, LIMB-GIRDLE, AUTOSOMAL RECESSIVE 17. Identifiers: Orphanet 254361, MedGen C3150989, MONDO:0013390, OMIM 613723.
Epidermolysis bullosa simplex 5C, with pyloric atresia (EBS5C). Also called: PLEC-Related Epidermolysis Bullosa with Pyloric Atresia; Epidermolysis bullosa simplex with pyloric atresia; PLEC1-Related Epidermolysis Bullosa with Pyloric Atresia. Identifiers: Orphanet 158684, MedGen C2677349, MONDO:0012807, OMIM 612138.

Submissions (3):

Labcorp Genetics (formerly Invitae), Labcorp
Classification: Uncertain significance for Autosomal recessive limb-girdle muscular dystrophy type 2Q; Epidermolysis bullosa simplex, Ogna type; Epidermolysis bullosa simplex with nail dystrophy; Epidermolysis bullosa simplex 5C, with pyloric atresia; Epidermolysis bullosa simplex 5B, with muscular dystrophy. Last evaluated: 2025-12-06. Review status: criteria provided, single submitter. Criteria: Invitae Variant Classification Sherloc (09022015). Collection method: clinical testing. Allele origin: germline.
Comment: This sequence change replaces alanine, which is neutral and non-polar, with methionine, which is neutral and non-polar, at codon 2084 of the PLEC protein (p.Ala2084Met). This variant is present in population databases (no rsID available, gnomAD 0.01%). This variant has not been reported in the literature in individuals affected with PLEC-related conditions. ClinVar contains an entry for this variant (Variation ID: 597371). An algorithm developed to predict the effect of missense changes on protein structure and function (PolyPhen-2) suggests that this variant is likely to be tolerated. In summary, the available evidence is currently insufficient to determine the role of this variant in disease. Therefore, it has been classified as a Variant of Uncertain Significance.

Athena Diagnostics
Classification: Uncertain significance. Last evaluated: 2019-03-01. Review status: criteria provided, single submitter. Criteria: Athena Diagnostics Criteria. Collection method: clinical testing. Allele origin: germline.

Eurofins Ntd Llc (ga)
Classification: Uncertain significance. Last evaluated: 2018-05-31. Review status: criteria provided, single submitter. Criteria: EGL ClinVar v180209 classification definitions. Collection method: clinical testing. Allele origin: germline. Observed: 2 variant alleles, 2 heterozygotes.

NM_201384.3(PLEC):c.6169_6170delinsAT (p.Ala2057Met)

Gene: PLEC (plectin; minus strand). Cytogenetic location: 8q24.3.
Variant type: Indel.
Coding change: c.6169_6170delinsAT on transcript NM_201384.3 (MANE Select); coding-DNA positions 6169 to 6170, GC replaced by AT.
Protein change: p.Ala2057Met; replaces alanine 2057 with methionine.
Molecular consequence: missense variant.
Genome position (GRCh38, 1-based): chr8:143,923,759-143,923,760, GC replaced by AT on the plus strand (GC replaced by AT on the coding strand, the reverse complement: PLEC is on the minus strand). VCF-style: chr8-143923759-GC-AT. GRCh37 (hg19) VCF-style: chr8-144997927-GC-AT.
Other names: c.6250_6251delinsAT, p.Ala2084Met (NM_000445.5); c.6127_6128delinsAT, p.Ala2043Met (NM_201378.4); c.6103_6104delinsAT, p.Ala2035Met (NM_201379.3); c.6580_6581delinsAT, p.Ala2194Met (NM_201380.4); c.6073_6074delinsAT, p.Ala2025Met (NM_201381.3); c.6169_6170delinsAT, p.Ala2057Met (NM_201382.4); c.6181_6182delinsAT, p.Ala2061Met (NM_201383.3); c.6250_6251delinsAT (NM_000445.4); short protein forms A2035M, A2025M, A2043M, A2057M, A2061M, A2084M, A2194M.
Identifiers: ClinVar variation 597371 (VCV000597371.17), dbSNP rs1564026689, ClinGen allele CA913189815.
Genomic context (GRCh38, chr8:143,923,759, plus strand): 5'-TCCAGCACGCTCTGCTCCTGCTGCAGCGTCTGCTGTAGCTCCTGCTCCTTCTGCTGCACC[GC>AT]GAAGGCGTGTGCCTTCTCTTCCGCCTGCAGCCGCTTCTGGGCGGCCTCCTGGGCCAGCTG-3'
Protein context (NP_958786.1, residues 2047-2067): LQAEEKAHAF[Ala2057Met]VQQKEQELQQ